The following is an entry in ClinVar:

ClinVar aggregate classification (germline): Benign (1 of 4 stars; one submission).

Allele frequency attached by ClinVar (database versions not stated): gnomAD exomes 0.00019; 1000 Genomes Project 30x 0.00094; 1000 Genomes Project 0.00100; TOPMed 0.00159.
gnomAD v4.1: 277 of 398,316 alleles (0.07%); highest among the groups gnomAD compares: African/African-American, 0.52%; 2 homozygotes.

Submission:

CeGaT Center for Human Genetics Tuebingen
Classification: Benign. Last evaluated: 2023-12-01. Review status: criteria provided, single submitter. Criteria: CeGaT Center For Human Genetics Tuebingen Variant Classification Criteria Version 2. Collection method: clinical testing. Allele origin: germline. Affected: yes. Observed: 1 variant allele.
Comment: KCNQ1OT1: BS1, BS2

NM_000218.3(KCNQ1):c.1394-19812A>G

Genes: KCNQ1 (potassium voltage-gated channel subfamily Q member 1; plus strand), KCNQ1OT1 (KCNQ1 opposite strand/antisense transcript 1; minus strand). Cytogenetic location: 11p15.5.
Variant type: single nucleotide variant.
Coding change: c.1394-19812A>G on transcript NM_000218.3 (MANE Select); 19812 bases into the intron before coding-DNA position 1394, A replaced by G.
Molecular consequence: intron variant. On other transcripts: non-coding transcript variant (1).
Genome position (GRCh38, 1-based): chr11:2,642,149, A>G. VCF-style: chr11-2642149-A-G. GRCh37 (hg19) VCF-style: chr11-2663379-A-G.
Other names: c.1124-19812A>G (NM_001406837.1); c.1298-19812A>G (NM_001406836.1); c.854-19812A>G (NM_001406838.1); c.1013-19812A>G (NM_181798.2).
Identifiers: ClinVar variation 3026357 (VCV003026357.22), dbSNP rs183146623, ClinGen allele CA216155355.
Genomic context (GRCh38, chr11:2,642,149, plus strand): 5'-GCTGTGGCTATTCCAGCTCTTTTTTGGTTCCATCTGAATTTTAGGATTTTTTCTATTTCC[A>G]TGAAAAATGGCATTGGTATTTTGAGAGAGACTGCATTGAATCTGTAGATTGCTTTGGGTA-3'